The following is an entry in ClinVar:

NM_000043.6(FAS):c.642T>C (p.Thr214=)

Gene: FAS (Fas cell surface death receptor; plus strand). Cytogenetic location: 10q23.31.
Variant type: single nucleotide variant.
Coding change: c.642T>C on transcript NM_000043.6 (MANE Select); coding-DNA position 642, T replaced by C.
Protein change: p.Thr214=; no amino-acid change (threonine 214 retained).
Molecular consequence: synonymous variant. On other transcripts: non-coding transcript variant (6), intron variant (1).
Genome position (GRCh38, 1-based): chr10:89,012,072, T>C. VCF-style: chr10-89012072-T-C. GRCh37 (hg19) VCF-style: chr10-90771829-T-C.
Other names: p.Thr214=; c.579T>C, p.Thr193= (NM_152871.4); c.642T>C, p.Thr214= (NM_152872.4); c.568+1257T>C (NM_001320619.2); c.642T>C (NM_000043.5).
Identifiers: ClinVar variation 254734 (VCV000254734.28), dbSNP rs2234978, ClinGen allele CA5593176.
Genomic context (GRCh38, chr10:89,012,072, plus strand): 5'-AGTACAGAAAACATGCAGAAAGCACAGAAAGGAAAACCAAGGTTCTCATGAATCTCCAAC[T>C]TTAAATCCTGTAGGTATTGAAATAGGTATCAGCTTTCCTTGAAAAGAAAAATAGAGAAAT-3'
Protein context (NP_000034.1, residues 204-224): KENQGSHESP[Thr214=]LNPETVAINL

ClinVar aggregate classification (germline): Benign/Likely benign. Review status: criteria provided, multiple submitters, no conflicts (2 of 4 stars). 11 submissions from 11 submitters: Benign (10); Likely benign (1). Last evaluated 2026-02-04.

Conditions:
Autoimmune lymphoproliferative syndrome type 1. Also called: AUTOIMMUNE LYMPHOPROLIFERATIVE SYNDROME, TYPE I, AUTOSOMAL DOMINANT. Identifiers: Orphanet 3261, MedGen C2717884, MONDO:0011158, OMIM 601859.

Allele frequency attached by ClinVar (database versions not stated): ESP Exome Variant Server 0.69522; gnomAD 0.72086 and 0.72764; TOPMed 0.72378; gnomAD exomes 0.72657 and 0.76558; ExAC 0.75613; 1000 Genomes Project 30x 0.76655; 1000 Genomes Project 0.77536.
gnomAD v4.1: 1,171,410 of 1,611,060 alleles (73%); highest among the groups gnomAD compares: East Asian, 96%; 428,901 homozygotes.

Submissions (11):

Labcorp Genetics (formerly Invitae), Labcorp
Classification: Benign for Autoimmune lymphoproliferative syndrome. Last evaluated: 2026-02-04. Review status: criteria provided, single submitter. Criteria: Invitae Variant Classification Sherloc (09022015). Collection method: clinical testing. Allele origin: germline.

Women's Health and Genetics/Laboratory Corporation of America, LabCorp
Classification: Benign. Last evaluated: 2026-01-21. Review status: criteria provided, single submitter. Criteria: LabCorp Variant Classification Summary - May 2015. Collection method: clinical testing. Allele origin: germline.

Blueprint Genetics
Classification: Likely benign. Last evaluated: 2024-11-27. Review status: criteria provided, single submitter. Criteria: ACMG Guidelines, 2015. Collection method: clinical testing. Allele origin: germline.

Unidad de Genómica Garrahan, Hospital de Pediatría Garrahan
Classification: Benign. Last evaluated: 2023-11-12. Review status: criteria provided, single submitter. Criteria: ACMG Guidelines, 2015. Collection method: clinical testing. Allele origin: germline. Affected: no. Observed: 89 variant alleles.
Comment: This variant is classified as Benign based on local population frequency. This variant was detected in 93% of patients studied by a panel of primary immunodeficiencies. Number of patients: 89. Only high quality variants are reported.

Mayo Clinic Laboratories, Mayo Clinic
Classification: Benign. Last evaluated: 2023-04-19. Review status: criteria provided, single submitter. Criteria: ACMG Guidelines, 2015. Collection method: clinical testing. Allele origin: germline. Observed: 170 variant alleles.
Comment: BA1, BP4, BP7

Genome-Nilou Lab
Classification: Benign for Autoimmune lymphoproliferative syndrome type 1. Last evaluated: 2021-08-10. Review status: criteria provided, single submitter. Criteria: ACMG Guidelines, 2015. Collection method: clinical testing. Allele origin: germline. Affected: no.

Illumina Laboratory Services, Illumina
Classification: Benign for Autoimmune lymphoproliferative syndrome type 1. Last evaluated: 2018-03-06. Review status: criteria provided, single submitter. Criteria: ICSL Variant Classification Criteria 13 December 2019. Collection method: clinical testing. Allele origin: germline.
Comment: This variant was observed in the ICSL laboratory as part of a predisposition screen in an ostensibly healthy population. It had not been previously curated by ICSL or reported in the Human Gene Mutation Database (HGMD: prior to June 1st, 2018), and was therefore a candidate for classification through an automated scoring system. Utilizing variant allele frequency, disease prevalence and penetrance estimates, and inheritance mode, an automated score was calculated to assess if this variant is too frequent to cause the disease. Based on the score and internal cut-off values, a variant classified as benign is not then subjected to further curation. The score for this variant resulted in a classification of benign for this disease.

Laboratory for Molecular Medicine, Mass General Brigham Personalized Medicine
Classification: Benign. Last evaluated: 2016-03-28. Review status: criteria provided, single submitter. Criteria: LMM Criteria. Collection method: clinical testing. Allele origin: germline.
Comment: Variant identified in a genome or exome case(s) and assessed due to predicted null impact of the variant or pathogenic assertions in the literature or databases. Disclaimer: This variant has not undergone full assessment. The following are preliminary notes: Frequency

GeneDx
Classification: Benign. Last evaluated: 2015-03-03. Review status: criteria provided, single submitter. Criteria: GeneDx Variant Classification Process June 2021. Collection method: clinical testing. Allele origin: germline. Affected: yes.
Comment: This variant is associated with the following publications: (PMID: 15350189)

Breakthrough Genomics
Classification: Benign. Review status: criteria provided, single submitter. Criteria: ACMG Guidelines, 2015. Collection method: not provided. Allele origin: germline. Inheritance: Autosomal dominant inheritance. Affected: yes.

PreventionGenetics, part of Exact Sciences
Classification: Benign. Review status: criteria provided, single submitter. Criteria: ACMG Guidelines, 2015. Collection method: clinical testing. Allele origin: germline.

Literature cited by the submitters: PubMed 15350189 (cited by Mayo Clinic Laboratories, Mayo Clinic); PubMed 26690594 (cited by Mayo Clinic Laboratories, Mayo Clinic).